The following is an entry in ClinVar:

ClinVar aggregate classification (germline): Uncertain significance. Review status: criteria provided, multiple submitters, no conflicts (2 of 4 stars). 2 submissions from 2 submitters: Uncertain significance (2). Last evaluated 2024-07-19.

Submissions (2):

Blueprint Genetics
Classification: Uncertain significance. Last evaluated: 2024-07-19. Review status: criteria provided, single submitter. Criteria: ACMG Guidelines, 2015. Collection method: clinical testing. Allele origin: germline.

Labcorp Genetics (formerly Invitae), Labcorp
Classification: Uncertain significance. Last evaluated: 2024-04-09. Review status: criteria provided, single submitter. Criteria: Invitae Variant Classification Sherloc (09022015). Collection method: clinical testing. Allele origin: germline.
Comment: This sequence change creates a premature translational stop signal (p.Ser300Thrfs*98) in the SAMD9 gene. While this is not anticipated to result in nonsense mediated decay, it is expected to disrupt the last 1290 amino acid(s) of the SAMD9 protein. This variant is present in population databases (rs764444021, gnomAD 0.002%). This variant has not been reported in the literature in individuals affected with SAMD9-related conditions. Experimental studies and prediction algorithms are not available or were not evaluated, and the functional significance of this variant is currently unknown. In summary, the available evidence is currently insufficient to determine the role of this variant in disease. Therefore, it has been classified as a Variant of Uncertain Significance.

NM_017654.4(SAMD9):c.897_900del (p.Ser300fs)

Gene: SAMD9 (sterile alpha motif domain containing 9; minus strand). Cytogenetic location: 7q21.2.
Variant type: Deletion.
Coding change: c.897_900del on transcript NM_017654.4 (MANE Select); coding-DNA positions 897 to 900, 4 bases deleted (ATCT; older notation c.897_900delATCT).
Protein change: p.Ser300fs; shifts the reading frame from serine 300.
Molecular consequence: frameshift variant.
Genome position (GRCh38, 1-based): chr7:93,105,198-93,105,201, AGAT deleted on the plus strand (ATCT on the coding strand, the reverse complement: SAMD9 is on the minus strand); deleting any 4 consecutive bases within chr7:93,105,198-93,105,204 gives the same sequence; the c. name uses the placement nearest the transcript's 3' end. VCF-style (leftmost placement, unchanged base first): chr7-93105197-CAGAT-C. GRCh37 (hg19) VCF-style: chr7-92734510-CAGAT-C.
Other names: c.897_900del, p.Ser300fs (NM_001193307.2); short protein forms S300fs.
Identifiers: ClinVar variation 3711466 (VCV003711466.3).